The following is an entry in ClinVar:

ClinVar aggregate classification (germline): Benign/Likely benign. Review status: criteria provided, multiple submitters, no conflicts (2 of 4 stars). 7 submissions from 7 submitters: Benign (1); Likely benign (6). Last evaluated 2025-10-11.

Conditions:
Hereditary cancer-predisposing syndrome. Also called: Tumor predisposition; Neoplastic Syndromes, Hereditary; Hereditary neoplastic syndrome; Hereditary Cancer Syndrome. Identifiers: Orphanet 140162, MedGen C0027672, MeSH D009386, MONDO:0015356.
Familial cancer of breast. Also called: BREAST CANCER, FAMILIAL; hereditary breast carcinoma; Hereditary breast cancer. Identifiers: Orphanet 227535, MedGen C0346153, MONDO:0016419, OMIM 114480. Disease mechanism: loss of function.
Ataxia-telangiectasia syndrome (AT). Also called: LOUIS-BAR SYNDROME; Ataxia-telangiectasia, complementation group D; AT, COMPLEMENTATION GROUP C; ATAXIA-TELANGIECTASIA, COMPLEMENTATION GROUP A; ATAXIA-TELANGIECTASIA, FRESNO VARIANT; Ataxia-telangiectasia. Identifiers: Orphanet 100, MedGen C0004135, MONDO:0008840, OMIM 208900.

Allele frequency attached by ClinVar (database versions not stated): TOPMed below 0.00001; gnomAD 0.00001; gnomAD exomes 0.00002.
gnomAD v4.1: 35 of 1,612,920 alleles (0.0022%); highest among the groups gnomAD compares: Non-Finnish European, 0.0029%; no homozygotes.

Submissions (7):

Labcorp Genetics (formerly Invitae), Labcorp
Classification: Likely benign for Ataxia-telangiectasia syndrome. Last evaluated: 2025-10-11. Review status: criteria provided, single submitter. Criteria: Invitae Variant Classification Sherloc (09022015). Collection method: clinical testing. Allele origin: germline.

Myriad Genetics, Inc.
Classification: Benign for Familial cancer of breast. Last evaluated: 2024-05-17. Review status: criteria provided, single submitter. Criteria: Myriad Autosomal Dominant, Autosomal Recessive and X-Linked Classification Criteria (2023). Collection method: clinical testing. Allele origin: unknown.
Comment: This variant is considered benign. This variant is a silent/synonymous amino acid change and it is not expected to impact splicing.

Blueprint Genetics
Classification: Likely benign. Last evaluated: 2024-05-06. Review status: criteria provided, single submitter. Criteria: ACMG Guidelines, 2015. Collection method: clinical testing. Allele origin: germline.

Genetic Services Laboratory, University of Chicago
Classification: Likely benign. Last evaluated: 2021-09-13. Review status: criteria provided, single submitter. Criteria: ACMG Guidelines, 2015. Collection method: clinical testing. Allele origin: germline. Affected: no.

GeneDx
Classification: Likely benign. Last evaluated: 2018-02-20. Review status: criteria provided, single submitter. Criteria: GeneDx Variant Classification (06012015). Collection method: clinical testing. Allele origin: germline. Affected: yes.
Comment: This variant is considered likely benign or benign based on one or more of the following criteria: it is a conservative change, it occurs at a poorly conserved position in the protein, it is predicted to be benign by multiple in silico algorithms, and/or has population frequency not consistent with disease.

Color Diagnostics, LLC DBA Color Health
Classification: Likely benign for Hereditary cancer-predisposing syndrome. Last evaluated: 2017-09-14. Review status: criteria provided, single submitter. Criteria: ACMG Guidelines, 2015. Collection method: clinical testing. Allele origin: germline.

Ambry Genetics
Classification: Likely benign for Hereditary cancer-predisposing syndrome. Last evaluated: 2014-10-14. Review status: criteria provided, single submitter. Criteria: Ambry Variant Classification Scheme 2023. Collection method: clinical testing. Allele origin: germline.

NM_000051.4(ATM):c.4416G>A (p.Leu1472=)

Gene: ATM (ATM serine/threonine kinase; plus strand). Cytogenetic location: 11q22.3.
Variant type: single nucleotide variant.
Coding change: c.4416G>A on transcript NM_000051.4 (MANE Select); coding-DNA position 4416, G replaced by A.
Protein change: p.Leu1472=; no amino-acid change (leucine 1472 retained).
Molecular consequence: synonymous variant.
Genome position (GRCh38, 1-based): chr11:108,289,781, G>A. VCF-style: chr11-108289781-G-A. GRCh37 (hg19) VCF-style: chr11-108160508-G-A.
Other names: c.4416G>A, p.Leu1472= (NM_001351834.2).
Identifiers: ClinVar variation 183820 (VCV000183820.23), dbSNP rs201526888, ClinGen allele CA186607.
Genomic context (GRCh38, chr11:108,289,781, plus strand): 5'-TATAAAAAGTGGCTTAGGAGGAGCTTGGGCCTTTGTTCTTCGAGACGTTATTTATACTTT[G>A]ATTCACTATATCAACCAAAGGTAAATAACATATTTAGACCAATATATAAGCAGTCTTTCT-3'
Protein context (NP_000042.3, residues 1462-1482): AFVLRDVIYT[Leu1472=]IHYINQRPSC